The following is an entry in ClinVar:

ClinVar aggregate classification (germline): Likely benign (0 of 4 stars; one submission).

Conditions:
TJP1-related disorder. Also called: TJP1-related condition.

Allele frequency attached by ClinVar (database versions not stated): gnomAD 0.00004; ESP Exome Variant Server 0.00008.
gnomAD v4.1: 109 of 1,532,736 alleles (0.0071%); highest among the groups gnomAD compares: Middle Eastern, 0.035%; no homozygotes.

Submission:

PreventionGenetics, part of Exact Sciences
Classification: Likely benign for TJP1-related condition. Last evaluated: 2019-06-12. Review status: no assertion criteria provided. Collection method: clinical testing. Allele origin: germline.
Comment: This variant is classified as likely benign based on ACMG/AMP sequence variant interpretation guidelines (Richards et al. 2015 PMID: 25741868, with internal and published modifications).

NM_001330239.4(TJP1):c.313-4G>T

Gene: TJP1 (tight junction protein 1; minus strand). Cytogenetic location: 15q13.1.
Variant type: single nucleotide variant.
Coding change: c.313-4G>T on transcript NM_001330239.4 (MANE Select); 4 bases into the intron before coding-DNA position 313, G replaced by T.
Molecular consequence: intron variant.
Genome position (GRCh38, 1-based): chr15:29,766,546, C>A on the plus strand (G>T on the coding strand, the complement: TJP1 is on the minus strand). VCF-style: chr15-29766546-C-A. GRCh37 (hg19) VCF-style: chr15-30058749-C-A.
Other names: c.592-4G>T (NM_001355012.2, NM_001301025.3); c.313-4G>T (NM_175610.4, NM_001355015.2, NM_003257.5 and 1 more transcripts); c.325-4G>T (NM_001301026.2, NM_001355013.1).
Identifiers: ClinVar variation 3033497 (VCV003033497.2), dbSNP rs371236216, ClinGen allele CA7447572.